The following is an entry in ClinVar:

ClinVar aggregate classification (germline): Uncertain significance. Review status: criteria provided, multiple submitters, no conflicts (2 of 4 stars). 3 submissions from 3 submitters: Uncertain significance (3). Last evaluated 2024-08-20.

Conditions:
Inborn genetic diseases. Identifiers: MedGen C0950123, MeSH D030342.

Allele frequency attached by ClinVar (database versions not stated): gnomAD 0.00002; gnomAD exomes 0.00002; TOPMed 0.00002; ExAC 0.00003; ESP Exome Variant Server 0.00008.
gnomAD v4.1: 30 of 1,611,574 alleles (0.0019%); highest among the groups gnomAD compares: Non-Finnish European, 0.0025%; no homozygotes.

Submissions (3):

Blueprint Genetics
Classification: Uncertain significance. Last evaluated: 2024-08-20. Review status: criteria provided, single submitter. Criteria: ACMG Guidelines, 2015. Collection method: clinical testing. Allele origin: germline.

Labcorp Genetics (formerly Invitae), Labcorp
Classification: Uncertain significance. Last evaluated: 2023-12-11. Review status: criteria provided, single submitter. Criteria: Invitae Variant Classification Sherloc (09022015). Collection method: clinical testing. Allele origin: germline.
Comment: This sequence change replaces proline, which is neutral and non-polar, with leucine, which is neutral and non-polar, at codon 167 of the CNGB3 protein (p.Pro167Leu). This variant is present in population databases (rs142772954, gnomAD 0.006%). This variant has not been reported in the literature in individuals affected with CNGB3-related conditions. ClinVar contains an entry for this variant (Variation ID: 2184082). Advanced modeling of protein sequence and biophysical properties (such as structural, functional, and spatial information, amino acid conservation, physicochemical variation, residue mobility, and thermodynamic stability) performed at Invitae indicates that this missense variant is not expected to disrupt CNGB3 protein function with a negative predictive value of 80%. In summary, the available evidence is currently insufficient to determine the role of this variant in disease. Therefore, it has been classified as a Variant of Uncertain Significance.

Ambry Genetics
Classification: Uncertain significance for Inborn genetic diseases. Last evaluated: 2023-05-09. Review status: criteria provided, single submitter. Criteria: Ambry Variant Classification Scheme 2023. Collection method: clinical testing. Allele origin: germline.

NM_019098.5(CNGB3):c.500C>T (p.Pro167Leu)

Gene: CNGB3 (cyclic nucleotide gated channel subunit beta 3; minus strand). Cytogenetic location: 8q21.3.
Variant type: single nucleotide variant.
Coding change: c.500C>T on transcript NM_019098.5 (MANE Select); coding-DNA position 500, C replaced by T.
Protein change: p.Pro167Leu; replaces proline 167 with leucine.
Molecular consequence: missense variant.
Genome position (GRCh38, 1-based): chr8:86,668,162, G>A on the plus strand (C>T on the coding strand, the complement: CNGB3 is on the minus strand). VCF-style: chr8-86668162-G-A. GRCh37 (hg19) VCF-style: chr8-87680390-G-A.
Other names: c.500C>T (NM_019098.4); short protein forms P167L.
Identifiers: ClinVar variation 2184082 (VCV002184082.5), dbSNP rs142772954, ClinGen allele CA4800364.